The following is an entry in ClinVar:

NM_001130823.3(DNMT1):c.382C>T (p.Pro128Ser)

Gene: DNMT1 (DNA methyltransferase 1; minus strand). Cytogenetic location: 19p13.2.
Variant type: single nucleotide variant.
Coding change: c.382C>T on transcript NM_001130823.3 (MANE Select); coding-DNA position 382, C replaced by T.
Protein change: p.Pro128Ser; replaces proline 128 with serine.
Molecular consequence: missense variant.
Genome position (GRCh38, 1-based): chr19:10,180,413, G>A on the plus strand (C>T on the coding strand, the complement: DNMT1 is on the minus strand). VCF-style: chr19-10180413-G-A. GRCh37 (hg19) VCF-style: chr19-10291089-G-A.
Other names: c.382C>T (LRG_362t1, NM_001130823.2); c.382C>T, p.Pro128Ser (NM_001318730.2, NM_001379.4); c.19C>T, p.Pro7Ser (NM_001318731.2); short protein forms P128S, P7S.
Identifiers: ClinVar variation 539606 (VCV000539606.11), dbSNP rs146601335, ClinGen allele CA9188776.

ClinVar aggregate classification (germline): Conflicting classifications of pathogenicity. Review status: criteria provided, conflicting classifications (1 of 4 stars). 3 submissions from 3 submitters: Uncertain significance (2); Likely benign (1). Last evaluated 2024-11-05.

Conditions:
Inborn genetic diseases. Identifiers: MedGen C0950123, MeSH D030342.
Autosomal dominant cerebellar ataxia, deafness and narcolepsy. Also called: Autosomal Dominant Cerebellar Ataxia, Deafness, and Narcolepsy (ADCA-DN). Identifiers: Orphanet 314404, MedGen C4302668, MONDO:0011397, OMIM 604121.
Hereditary sensory neuropathy-deafness-dementia syndrome. Also called: Hereditary sensory neuropathy type IE; NEUROPATHY, HEREDITARY SENSORY, WITH HEARING LOSS AND DEMENTIA; Hereditary Sensory and Autonomic Neuropathy Type 1E (HSAN1E); HSN IE. Identifiers: Orphanet 456318, MedGen C3279885, MONDO:0013584, OMIM 614116.

Allele frequency attached by ClinVar (database versions not stated): TOPMed 0.00006.
gnomAD v4.1: 52 of 1,613,924 alleles (0.0032%); highest among the groups gnomAD compares: East Asian, 0.016%; no homozygotes.

Submissions (3):

Labcorp Genetics (formerly Invitae), Labcorp
Classification: Uncertain significance for Hereditary sensory neuropathy-deafness-dementia syndrome. Last evaluated: 2024-11-05. Review status: criteria provided, single submitter. Criteria: Invitae Variant Classification Sherloc (09022015). Collection method: clinical testing. Allele origin: germline.
Comment: This sequence change replaces proline, which is neutral and non-polar, with serine, which is neutral and polar, at codon 128 of the DNMT1 protein (p.Pro128Ser). This variant is present in population databases (rs146601335, gnomAD 0.04%). This variant has not been reported in the literature in individuals affected with DNMT1-related conditions. ClinVar contains an entry for this variant (Variation ID: 539606). An algorithm developed to predict the effect of missense changes on protein structure and function outputs the following: PolyPhen-2: "Benign". The serine amino acid residue is found in multiple mammalian species, which suggests that this missense change does not adversely affect protein function. In summary, the available evidence is currently insufficient to determine the role of this variant in disease. Therefore, it has been classified as a Variant of Uncertain Significance.

Fulgent Genetics
Classification: Uncertain significance for Autosomal dominant cerebellar ataxia, deafness and narcolepsy; Hereditary sensory neuropathy-deafness-dementia syndrome. Last evaluated: 2021-07-16. Review status: criteria provided, single submitter. Criteria: ACMG Guidelines, 2015. Collection method: clinical testing. Allele origin: unknown.

Ambry Genetics
Classification: Likely benign for Inborn genetic diseases. Last evaluated: 2020-03-05. Review status: criteria provided, single submitter. Criteria: Ambry Variant Classification Scheme 2023. Collection method: clinical testing. Allele origin: germline.